The following is an entry in ClinVar:

ClinVar aggregate classification (germline): Uncertain significance (1 of 4 stars; one submission).

Conditions:
Familial cold autoinflammatory syndrome 3 (FCAS3). Also called: FAMILIAL ATYPICAL COLD URTICARIA; ANTIBODY DEFICIENCY AND IMMUNE DYSREGULATION, PLCG2-ASSOCIATED. Identifiers: Orphanet 300359, MedGen C3280914, MONDO:0013766, OMIM 614468.

Submission:

Labcorp Genetics (formerly Invitae), Labcorp
Classification: Uncertain significance for Familial cold autoinflammatory syndrome 3. Last evaluated: 2024-12-02. Review status: criteria provided, single submitter. Criteria: Invitae Variant Classification Sherloc (09022015). Collection method: clinical testing. Allele origin: germline.
Comment: This sequence change replaces serine, which is neutral and polar, with phenylalanine, which is neutral and non-polar, at codon 925 of the PLCG2 protein (p.Ser925Phe). This variant is not present in population databases (gnomAD no frequency). This variant has not been reported in the literature in individuals affected with PLCG2-related conditions. ClinVar contains an entry for this variant (Variation ID: 2757565). An algorithm developed to predict the effect of missense changes on protein structure and function (PolyPhen-2) suggests that this variant is likely to be tolerated. In summary, the available evidence is currently insufficient to determine the role of this variant in disease. Therefore, it has been classified as a Variant of Uncertain Significance.

NM_002661.5(PLCG2):c.2774C>T (p.Ser925Phe)

Gene: PLCG2 (phospholipase C gamma 2; plus strand). Cytogenetic location: 16q23.3.
Variant type: single nucleotide variant.
Coding change: c.2774C>T on transcript NM_002661.5 (MANE Select); coding-DNA position 2774, C replaced by T.
Protein change: p.Ser925Phe; replaces serine 925 with phenylalanine.
Molecular consequence: missense variant.
Genome position (GRCh38, 1-based): chr16:81,934,463, C>T. VCF-style: chr16-81934463-C-T. GRCh37 (hg19) VCF-style: chr16-81968068-C-T.
Other names: c.2774C>T, p.Ser925Phe (NM_001425749.1, NM_001425750.1, NM_001425751.1); short protein forms S925F.
Identifiers: ClinVar variation 2757565 (VCV002757565.3), dbSNP rs2507747313, ClinGen allele CA396904582.